The following is an entry in ClinVar:

NM_001558.4(IL10RA):c.1145G>C (p.Ser382Thr)

Gene: IL10RA (interleukin 10 receptor subunit alpha; plus strand). Cytogenetic location: 11q23.3.
Variant type: single nucleotide variant.
Coding change: c.1145G>C on transcript NM_001558.4 (MANE Select); coding-DNA position 1145, G replaced by C.
Protein change: p.Ser382Thr; replaces serine 382 with threonine.
Molecular consequence: missense variant. On other transcripts: non-coding transcript variant (1).
Genome position (GRCh38, 1-based): chr11:117,999,049, G>C. VCF-style: chr11-117999049-G-C. GRCh37 (hg19) VCF-style: chr11-117869764-G-C.
Other names: short protein forms S382T.
Identifiers: ClinVar variation 578635 (VCV000578635.5), dbSNP rs376309967, ClinGen allele CA6299127.

ClinVar aggregate classification (germline): Uncertain significance. Review status: criteria provided, multiple submitters, no conflicts (2 of 4 stars). 2 submissions from 2 submitters: Uncertain significance (2). Last evaluated 2024-06-07.

Conditions:
Inborn genetic diseases. Identifiers: MedGen C0950123, MeSH D030342.
Inflammatory bowel disease 28. Also called: Inflammatory bowel disease 28, early onset, autosomal recessive. Identifiers: Orphanet 238569, MedGen C2751053, MONDO:0013153, OMIM 613148.

Allele frequency attached by ClinVar (database versions not stated): gnomAD exomes 0.00001 and 0.00003; ExAC 0.00003; TOPMed 0.00013; ESP Exome Variant Server 0.00015; gnomAD 0.00016 and 0.00017.
gnomAD v4.1: 40 of 1,612,598 alleles (0.0025%); highest among the groups gnomAD compares: African/African-American, 0.045%; no homozygotes.

Submissions (2):

Ambry Genetics
Classification: Uncertain significance for Inborn genetic diseases. Last evaluated: 2024-06-07. Review status: criteria provided, single submitter. Criteria: Ambry Variant Classification Scheme 2023. Collection method: clinical testing. Allele origin: germline.

Labcorp Genetics (formerly Invitae), Labcorp
Classification: Uncertain significance for Inflammatory bowel disease 28. Last evaluated: 2022-08-21. Review status: criteria provided, single submitter. Criteria: Invitae Variant Classification Sherloc (09022015). Collection method: clinical testing. Allele origin: germline.
Comment: This sequence change replaces serine, which is neutral and polar, with threonine, which is neutral and polar, at codon 382 of the IL10RA protein (p.Ser382Thr). This variant is present in population databases (rs376309967, gnomAD 0.07%). This variant has not been reported in the literature in individuals affected with IL10RA-related conditions. ClinVar contains an entry for this variant (Variation ID: 578635). Algorithms developed to predict the effect of missense changes on protein structure and function (SIFT, PolyPhen-2, Align-GVGD) all suggest that this variant is likely to be tolerated. In summary, the available evidence is currently insufficient to determine the role of this variant in disease. Therefore, it has been classified as a Variant of Uncertain Significance.